The following is an entry in ClinVar:

NM_001939.3(DRP2):c.2552C>T (p.Thr851Met)

Gene: DRP2 (dystrophin related protein 2; plus strand). Cytogenetic location: Xq22.1.
Variant type: single nucleotide variant.
Coding change: c.2552C>T on transcript NM_001939.3 (MANE Select); coding-DNA position 2552, C replaced by T.
Protein change: p.Thr851Met; replaces threonine 851 with methionine.
Molecular consequence: missense variant.
Genome position (GRCh38, 1-based): chrX:101,258,470, C>T. VCF-style: chrX-101258470-C-T. GRCh37 (hg19) VCF-style: chrX-100513459-C-T.
Other names: c.2318C>T, p.Thr773Met (NM_001171184.2); short protein forms T851M, T773M.
Identifiers: ClinVar variation 1407264 (VCV001407264.6), dbSNP rs140382549, ClinGen allele CA10472488.

ClinVar aggregate classification (germline): Uncertain significance (1 of 4 stars; one submission).

Allele frequency attached by ClinVar (database versions not stated): gnomAD exomes 0.00002 and 0.00003; TOPMed 0.00002; gnomAD 0.00004; ESP Exome Variant Server 0.00009; ExAC 0.00014.
gnomAD v4.1: 22 of 1,197,108 alleles (0.0018%); highest among the groups gnomAD compares: South Asian, 0.0037%; no homozygotes.

Submission:

Labcorp Genetics (formerly Invitae), Labcorp
Classification: Uncertain significance. Last evaluated: 2024-03-29. Review status: criteria provided, single submitter. Criteria: Invitae Variant Classification Sherloc (09022015). Collection method: clinical testing. Allele origin: germline.
Comment: This sequence change replaces threonine, which is neutral and polar, with methionine, which is neutral and non-polar, at codon 851 of the DRP2 protein (p.Thr851Met). This variant is present in population databases (rs140382549, gnomAD 0.01%). This variant has not been reported in the literature in individuals affected with DRP2-related conditions. ClinVar contains an entry for this variant (Variation ID: 1407264). Advanced modeling of protein sequence and biophysical properties (such as structural, functional, and spatial information, amino acid conservation, physicochemical variation, residue mobility, and thermodynamic stability) performed at Invitae indicates that this missense variant is expected to disrupt DRP2 protein function with a positive predictive value of 80%. In summary, the available evidence is currently insufficient to determine the role of this variant in disease. Therefore, it has been classified as a Variant of Uncertain Significance.